The following is an entry in ClinVar:

NM_001291303.3(FAT4):c.7133C>A (p.Pro2378Gln)

Gene: FAT4 (FAT atypical cadherin 4; plus strand). Cytogenetic location: 4q28.1.
Variant type: single nucleotide variant.
Coding change: c.7133C>A on transcript NM_001291303.3 (MANE Select); coding-DNA position 7133, C replaced by A.
Protein change: p.Pro2378Gln; replaces proline 2378 with glutamine.
Molecular consequence: missense variant.
Genome position (GRCh38, 1-based): chr4:125,434,359, C>A. VCF-style: chr4-125434359-C-A. GRCh37 (hg19) VCF-style: chr4-126355514-C-A.
Other names: c.7133C>A (NM_024582.4); c.7133C>A, p.Pro2378Gln (NM_001291285.3, NM_024582.6); short protein forms P2378Q.
Identifiers: ClinVar variation 1909266 (VCV001909266.6), dbSNP rs759934368, ClinGen allele CA3073100.

ClinVar aggregate classification (germline): Uncertain significance. Review status: criteria provided, multiple submitters, no conflicts (2 of 4 stars). 2 submissions from 2 submitters: Uncertain significance (2). Last evaluated 2025-12-16.

Conditions:
Inborn genetic diseases. Identifiers: MedGen C0950123, MeSH D030342.

Allele frequency attached by ClinVar (database versions not stated): ExAC 0.00001; TOPMed 0.00001; gnomAD 0.00002; gnomAD exomes 0.00002.
gnomAD v4.1: 28 of 1,613,880 alleles (0.0017%); highest among the groups gnomAD compares: Non-Finnish European, 0.0024%; no homozygotes.

Submissions (2):

Ambry Genetics
Classification: Uncertain significance for Inborn genetic diseases. Last evaluated: 2025-12-16. Review status: criteria provided, single submitter. Criteria: Ambry Variant Classification Scheme 2023. Collection method: clinical testing. Allele origin: germline.

Labcorp Genetics (formerly Invitae), Labcorp
Classification: Uncertain significance. Last evaluated: 2023-09-19. Review status: criteria provided, single submitter. Criteria: Invitae Variant Classification Sherloc (09022015). Collection method: clinical testing. Allele origin: germline.
Comment: In summary, the available evidence is currently insufficient to determine the role of this variant in disease. Therefore, it has been classified as a Variant of Uncertain Significance. Advanced modeling of protein sequence and biophysical properties (such as structural, functional, and spatial information, amino acid conservation, physicochemical variation, residue mobility, and thermodynamic stability) performed at Invitae indicates that this missense variant is not expected to disrupt FAT4 protein function. ClinVar contains an entry for this variant (Variation ID: 1909266). This variant has not been reported in the literature in individuals affected with FAT4-related conditions. This variant is present in population databases (rs759934368, gnomAD 0.002%). This sequence change replaces proline, which is neutral and non-polar, with glutamine, which is neutral and polar, at codon 2378 of the FAT4 protein (p.Pro2378Gln).